The following is an entry in ClinVar:

ClinVar aggregate classification (germline): Pathogenic (1 of 4 stars; one submission).

Submission:

GeneDx
Classification: Pathogenic. Last evaluated: 2025-01-22. Review status: criteria provided, single submitter. Criteria: GeneDx Variant Classification Process June 2021. Collection method: clinical testing. Allele origin: germline. Affected: yes.
Comment: Frameshift variant predicted to result in protein truncation or nonsense mediated decay in a gene for which loss of function is a known mechanism of disease; Not observed at significant frequency in large population cohorts (gnomAD); Has not been previously published as pathogenic or benign to our knowledge

NM_014974.3(DIP2C):c.1146_1147dup (p.Arg383fs)

Gene: DIP2C (disco interacting protein 2 homolog C; minus strand). Cytogenetic location: 10p15.3.
Variant type: Duplication.
Coding change: c.1146_1147dup on transcript NM_014974.3 (MANE Select); coding-DNA positions 1146 to 1147, 2 bases duplicated (TA; older notation c.1146_1147dupTA).
Protein change: p.Arg383fs; shifts the reading frame from arginine 383.
Molecular consequence: frameshift variant.
Genome position (GRCh38, 1-based): chr10:408,928-408,929, TA duplicated on the plus strand (TA on the coding strand, the reverse complement: DIP2C is on the minus strand); duplicating any 2 consecutive bases within chr10:408,928-408,930 gives the same sequence; the c. name uses the placement nearest the transcript's 3' end. VCF-style (leftmost placement, unchanged base first): chr10-408927-C-CTA. GRCh37 (hg19) VCF-style: chr10-454867-C-CTA.
Other names: short protein forms R383fs.
Identifiers: ClinVar variation 4071587 (VCV004071587.1).
Genomic context (GRCh38, chr10:408,927, plus strand): 5'-GCACCTTTTCCCACAGGACTCTTGTGTTTTGTAGATCCAGCAGTTTAAGTTGCACTTACC[C>CTA]TATCTCCAGGCCGGACCATGGGTTCCTGCTTTGTGCCTAATTTGTGTAGAATGCTGTAAG-3'